The following is an entry in ClinVar:

NM_006267.5(RANBP2):c.6008A>G (p.Tyr2003Cys)

Gene: RANBP2 (RAN binding protein 2; plus strand). Cytogenetic location: 2q13.
Variant type: single nucleotide variant.
Coding change: c.6008A>G on transcript NM_006267.5 (MANE Select); coding-DNA position 6008, A replaced by G.
Protein change: p.Tyr2003Cys; replaces tyrosine 2003 with cysteine.
Molecular consequence: missense variant.
Genome position (GRCh38, 1-based): chr2:108,766,547, A>G. VCF-style: chr2-108766547-A-G. GRCh37 (hg19) VCF-style: chr2-109383003-A-G.
Other names: short protein forms Y2003C.
Identifiers: ClinVar variation 1045791 (VCV001045791.9), dbSNP rs778749820, ClinGen allele CA1823383.

ClinVar aggregate classification (germline): Uncertain significance (1 of 4 stars; one submission).

Conditions:
Familial acute necrotizing encephalopathy (IIAE3). Also called: ENCEPHALOPATHY, ACUTE, INFECTION-INDUCED, SUSCEPTIBILITY TO, 3; Susceptibility to Acute Necrotizing Encephalopathy 1. Identifiers: Orphanet 88619, MedGen C2675556, MONDO:0011953, OMIM 608033.

Allele frequency attached by ClinVar (database versions not stated): gnomAD exomes 0.00001 and 0.00002; ExAC 0.00003; gnomAD 0.00004 and 0.00005; TOPMed 0.00005.
gnomAD v4.1: 26 of 1,612,016 alleles (0.0016%); highest among the groups gnomAD compares: East Asian, 0.0089%; no homozygotes.

Submission:

Labcorp Genetics (formerly Invitae), Labcorp
Classification: Uncertain significance for Familial acute necrotizing encephalopathy. Last evaluated: 2020-04-14. Review status: criteria provided, single submitter. Criteria: Invitae Variant Classification Sherloc (09022015). Collection method: clinical testing. Allele origin: germline.
Comment: This sequence change replaces tyrosine with cysteine at codon 2003 of the RANBP2 protein (p.Tyr2003Cys). The tyrosine residue is highly conserved and there is a large physicochemical difference between tyrosine and cysteine. In summary, the available evidence is currently insufficient to determine the role of this variant in disease. Therefore, it has been classified as a Variant of Uncertain Significance. Algorithms developed to predict the effect of sequence changes on RNA splicing suggest that this variant may create or strengthen a splice site, but this prediction has not been confirmed by published transcriptional studies. Algorithms developed to predict the effect of missense changes on protein structure and function (SIFT, PolyPhen-2, Align-GVGD) all suggest that this variant is likely to be disruptive, but these predictions have not been confirmed by published functional studies and their clinical significance is uncertain. This variant has not been reported in the literature in individuals with RANBP2-related conditions. The frequency data for this variant in the population databases is considered unreliable, as metrics indicate poor data quality at this position in the ExAC database.